The following is an entry in ClinVar:

ClinVar aggregate classification (germline): Likely benign (1 of 4 stars; one submission).

Submission:

CeGaT Center for Human Genetics Tuebingen
Classification: Likely benign. Last evaluated: 2025-10-01. Review status: criteria provided, single submitter. Criteria: CeGaT Center For Human Genetics Tuebingen Variant Classification Criteria Version 2. Collection method: clinical testing. Allele origin: germline. Affected: yes. Observed: 3 variant alleles.
Comment: NBPF10: BP4, BP7

NM_001302371.3(NBPF10):c.8322T>C (p.Leu2774=)

Gene: NBPF10 (NBPF member 10; minus strand). Cytogenetic location: 1q21.1.
Variant type: single nucleotide variant.
Coding change: c.8322T>C on transcript NM_001302371.3 (MANE Select); coding-DNA position 8322, T replaced by C.
Protein change: p.Leu2774=; no amino-acid change (leucine 2774 retained).
Molecular consequence: synonymous variant.
Genome position (GRCh38, 1-based): chr1:146,085,351, A>G on the plus strand (T>C on the coding strand, the complement: NBPF10 is on the minus strand). VCF-style: chr1-146085351-A-G. GRCh37 (hg19) VCF-style: chr1-145352847-T-C.
Other names: c.8322T>C, p.Leu2774= (NM_001039703.6).
Identifiers: ClinVar variation 3388925 (VCV003388925.14).
Genomic context (GRCh38, chr1:146,085,351, plus strand): 5'-TATATGGAAGACTCAGTGGATCCTTATCACCTTCATAGAAAGGTACTCACCTCCCACGTC[A>G]AGAGAAAAGCCAACATGTTTTTCCTCCAATGCATAAAAGGAACTTCCATAGGGCTGGCAG-3'
Protein context (NP_001289300.1, residues 2764-2784): ALEEKHVGFS[Leu2774=]DVGEIEKKGK